The following is an entry in ClinVar:

ClinVar aggregate classification (germline): Uncertain significance (1 of 4 stars; one submission).

Submission:

GeneDx
Classification: Uncertain significance. Last evaluated: 2026-03-23. Review status: criteria provided, single submitter. Criteria: GeneDx Variant Classification Process June 2021. Collection method: clinical testing. Allele origin: germline.
Comment: Not observed at significant frequency in large population cohorts (gnomAD); In-frame deletion of 3 amino acids in a non-repeat region; In silico analysis suggests that this variant does not alter protein structure/function; Has not been previously published as pathogenic or benign to our knowledge

NM_031443.4(CCM2):c.10_18del (p.Glu4_Lys6del)

Genes: CCM2 (CCM2 scaffold protein; plus strand), LOC129998395 (ATAC-STARR-seq lymphoblastoid silent region 18162; plus strand). Cytogenetic location: 7p13.
Variant type: Deletion.
Coding change: c.10_18del on transcript NM_031443.4 (MANE Select); coding-DNA positions 10 to 18, 9 bases deleted (GAGGGCAAG; older notation c.10_18delGAGGGCAAG).
Protein change: p.Glu4_Lys6del.
Molecular consequence: inframe deletion. On other transcripts: inframe indel (1).
Genome position (GRCh38, 1-based): chr7:45,000,343-45,000,351, GAGGGCAAG deleted; deleting any 9 consecutive bases within chr7:45,000,341-45,000,351 gives the same sequence; the c. name uses the placement nearest the transcript's 3' end. VCF-style (leftmost placement, unchanged base first): chr7-45000340-GAGGAGGGCA-G. GRCh37 (hg19) VCF-style: chr7-45039939-GAGGAGGGCA-G.
Other names: c.10_18del, p.Glu4_Lys6del (NM_001167934.2, NM_001167935.2, NM_001363458.2 and 1 more transcripts); c.10_18delGAGGGCAAG, p.Glu4_Lys6del (NM_031443.3).
Identifiers: ClinVar variation 5017253 (VCV005017253.1).